The following is an entry in ClinVar:

ClinVar aggregate classification (germline): Conflicting classifications of pathogenicity. Review status: criteria provided, conflicting classifications (1 of 4 stars). 2 submissions from 2 submitters: Uncertain significance (1); Likely benign (1). Last evaluated 2025-08-06.

gnomAD v4.1: 1 of 1,614,092 alleles (0.000062%); highest among the groups gnomAD compares: Non-Finnish European, 0.000085%; no homozygotes.

Submissions (2):

Dasa
Classification: Uncertain significance. Last evaluated: 2025-08-06. Review status: criteria provided, single submitter. Criteria: DASA Assertion Criteria. Collection method: clinical testing. Allele origin: germline.
Comment: NM_015559.3(SETBP1):c.2080G>T (p.Ala694Ser) is a missense variant that results in the substitution of alanine with serine. This variant is rare in population databases. Computational prediction algorithms are consistent with a benign effect. The currently available literature and clinical evidence are not sufficient to establish a definitive association between this variant and the reported condition. Therefore, this variant is classified as a variant of uncertain significance.

Labcorp Genetics (formerly Invitae), Labcorp
Classification: Likely benign. Last evaluated: 2024-06-03. Review status: criteria provided, single submitter. Criteria: Invitae Variant Classification Sherloc (09022015). Collection method: clinical testing. Allele origin: germline.

NM_015559.3(SETBP1):c.2080G>T (p.Ala694Ser)

Gene: SETBP1 (SET binding protein 1; plus strand). Cytogenetic location: 18q12.3.
Variant type: single nucleotide variant.
Coding change: c.2080G>T on transcript NM_015559.3 (MANE Select); coding-DNA position 2080, G replaced by T.
Protein change: p.Ala694Ser; replaces alanine 694 with serine.
Molecular consequence: missense variant.
Genome position (GRCh38, 1-based): chr18:44,951,420, G>T. VCF-style: chr18-44951420-G-T. GRCh37 (hg19) VCF-style: chr18-42531385-G-T.
Other names: c.2080G>T, p.Ala694Ser (NM_001379141.1, NM_001379142.1); short protein forms A694S.
Identifiers: ClinVar variation 1388721 (VCV001388721.8), dbSNP rs2145102683, ClinGen allele CA402320348.